The following is an entry in ClinVar:

ClinVar aggregate classification (germline): Conflicting classifications of pathogenicity. Review status: criteria provided, conflicting classifications (1 of 4 stars). 3 submissions from 3 submitters: Uncertain significance (2); Likely benign (1). Last evaluated 2026-01-26.

Conditions:
Inborn genetic diseases. Identifiers: MedGen C0950123, MeSH D030342.
Combined oxidative phosphorylation defect type 27. Also called: Combined oxidative phosphorylation deficiency 27. Identifiers: Orphanet 477774, MedGen C5567608, MONDO:0014728, OMIM 616672.

Allele frequency attached by ClinVar (database versions not stated): gnomAD exomes 0.00071 and 0.00067; 1000 Genomes Project 0.00040; TOPMed 0.00076; gnomAD 0.00081 and 0.00076; ESP Exome Variant Server 0.00092; 1000 Genomes Project 30x 0.00031; ExAC 0.00053.
gnomAD v4.1: 1,126 of 1,580,076 alleles (0.071%); highest among the groups gnomAD compares: Admixed American, 0.16%; 1 homozygote.

Submissions (3):

GeneDx
Classification: Uncertain significance. Last evaluated: 2026-01-26. Review status: criteria provided, single submitter. Criteria: GeneDx Variant Classification Process June 2021. Collection method: clinical testing. Allele origin: germline.
Comment: In silico analysis supports that this missense variant has a deleterious effect on protein structure/function; Has not been previously published as pathogenic or benign to our knowledge

Labcorp Genetics (formerly Invitae), Labcorp
Classification: Uncertain significance for Combined oxidative phosphorylation defect type 27. Last evaluated: 2022-10-31. Review status: criteria provided, single submitter. Criteria: Invitae Variant Classification Sherloc (09022015). Collection method: clinical testing. Allele origin: germline.
Comment: This sequence change replaces asparagine, which is neutral and polar, with aspartic acid, which is acidic and polar, at codon 192 of the CARS2 protein (p.Asn192Asp). This variant is present in population databases (rs150286306, gnomAD 0.2%), and has an allele count higher than expected for a pathogenic variant. This variant has not been reported in the literature in individuals affected with CARS2-related conditions. ClinVar contains an entry for this variant (Variation ID: 475632). Algorithms developed to predict the effect of missense changes on protein structure and function (SIFT, PolyPhen-2, Align-GVGD) all suggest that this variant is likely to be tolerated. In summary, the available evidence is currently insufficient to determine the role of this variant in disease. Therefore, it has been classified as a Variant of Uncertain Significance.

Ambry Genetics
Classification: Likely benign for Inborn genetic diseases. Last evaluated: 2022-04-27. Review status: criteria provided, single submitter. Criteria: Ambry Variant Classification Scheme 2023. Collection method: clinical testing. Allele origin: germline.

NM_024537.4(CARS2):c.574A>G (p.Asn192Asp)

Gene: CARS2 (cysteinyl-tRNA synthetase 2, mitochondrial; minus strand). Cytogenetic location: 13q34.
Variant type: single nucleotide variant.
Coding change: c.574A>G on transcript NM_024537.4 (MANE Select); coding-DNA position 574, A replaced by G.
Protein change: p.Asn192Asp; replaces asparagine 192 with aspartic acid.
Molecular consequence: missense variant. On other transcripts: 5 prime UTR variant (1), non-coding transcript variant (2).
Genome position (GRCh38, 1-based): chr13:110,683,132, T>C on the plus strand (A>G on the coding strand, the complement: CARS2 is on the minus strand). VCF-style: chr13-110683132-T-C. GRCh37 (hg19) VCF-style: chr13-111335479-T-C.
Other names: c.-213A>G (NM_001352252.2); c.574A>G, p.Asn192Asp (NM_001352253.3); short protein forms N192D.
Identifiers: ClinVar variation 475632 (VCV000475632.12), dbSNP rs150286306, ClinGen allele CA7052158.